The following is an entry in ClinVar:

NM_004385.5(VCAN):c.5620G>A (p.Val1874Met)

Genes: VCAN (versican; plus strand), VCAN-AS1 (VCAN antisense RNA 1; minus strand). Cytogenetic location: 5q14.3.
Variant type: single nucleotide variant.
Coding change: c.5620G>A on transcript NM_004385.5 (MANE Select); coding-DNA position 5620, G replaced by A.
Protein change: p.Val1874Met; replaces valine 1874 with methionine.
Molecular consequence: missense variant. On other transcripts: intron variant (2).
Genome position (GRCh38, 1-based): chr5:83,538,623, G>A. VCF-style: chr5-83538623-G-A. GRCh37 (hg19) VCF-style: chr5-82834442-G-A.
Other names: c.2659G>A, p.Val887Met (NM_001164097.2); c.4004-6914G>A (NM_001164098.2); c.1043-6914G>A (NM_001126336.3); short protein forms V1874M, V887M.
Identifiers: ClinVar variation 2635951 (VCV002635951.1), dbSNP rs550193016, ClinGen allele CA3333360.
Genomic context (GRCh38, chr5:83,538,623, plus strand): 5'-TTAAACGTAGAGTATGCAATTCAAGCCGAAAAGGAAGTAGCTGGCACTTTGTCTCCGCAT[G>A]TGGAAACTACATTCTCCACTGAGCCAACAGGACTGGTTTTGAGTACAGTAATGGACAGAG-3'
Protein context (NP_004376.2, residues 1864-1884): KEVAGTLSPH[Val1874Met]ETTFSTEPTG

ClinVar aggregate classification (germline): Uncertain significance (1 of 4 stars; one submission).

Conditions:
VCAN-related disorder. Also called: VCAN-related condition.

Allele frequency attached by ClinVar (database versions not stated): gnomAD exomes below 0.00001; ExAC 0.00001; gnomAD 0.00001; 1000 Genomes Project 30x 0.00016; 1000 Genomes Project 0.00020.
gnomAD v4.1: 2 of 1,614,074 alleles (0.00012%); highest among the groups gnomAD compares: East Asian, 0.0045%; no homozygotes.

Submission:

PreventionGenetics, part of Exact Sciences
Classification: Uncertain significance for VCAN-related condition. Last evaluated: 2023-07-31. Review status: criteria provided, single submitter. Criteria: ACMG Guidelines, 2015. Collection method: clinical testing. Allele origin: germline.
Comment: The VCAN c.5620G>A variant is predicted to result in the amino acid substitution p.Val1874Met. To our knowledge, this variant has not been reported in the literature. This variant is reported in 0.016% of alleles in individuals of East Asian descent in gnomAD. At this time, the clinical significance of this variant is uncertain due to the absence of conclusive functional and genetic evidence.